The following is an entry in ClinVar:

ClinVar aggregate classification (germline): Likely pathogenic (1 of 4 stars; one submission).

Conditions:
Neuronopathy, distal hereditary motor, autosomal recessive 7. Also called: NEUROPATHY, DISTAL HEREDITARY MOTOR, AUTOSOMAL RECESSIVE 7; NEUROPATHY, HEREDITARY MOTOR, WITH MYOPATHIC FEATURES. Identifiers: MedGen C5543119, MONDO:0030977, OMIM 619216.

Submission:

Clinical Omics and Informatics (COIN) Unit, Neuroscience Institute, University Of Cape Town
Classification: Likely pathogenic for Neuronopathy, distal hereditary motor, autosomal recessive 7. Last evaluated: 2025-08-25. Review status: criteria provided, single submitter. Criteria: ACMG Guidelines, 2015. Collection method: research. Allele origin: germline. Inheritance: Autosomal recessive inheritance. Affected: yes. Observed: 1 compound heterozygote. Study: International Center for Genomic Medicine for Neuromuscular Disease (ICGNMD).
Comment: PM2_supporting: variant absent from gnomAD v4.0 (adequate coverage >20X confirmed) and from an internal database. PVS1_strong: frameshift variant not predicted to undergo NMD. Role of region in protein function is unknown. LoF variants in this exon are not frequent in the general population and exon is present in biologically-relevant transcripts. Variant removes >10% of protein. Sequencing funded by the International Centre for Genomic Medicine in Neuromuscular Diseases (ICGNMD).

NM_022834.5(VWA1):c.662dup (p.Glu222fs)

Gene: VWA1 (von Willebrand factor A domain containing 1; plus strand). Cytogenetic location: 1p36.33.
Variant type: Duplication.
Coding change: c.662dup on transcript NM_022834.5 (MANE Select); coding-DNA position 662, one base duplicated (C; older notation c.662dupC).
Protein change: p.Glu222fs; shifts the reading frame from glutamic acid 222.
Molecular consequence: frameshift variant. On other transcripts: 3 prime UTR variant (1).
Genome position (GRCh38, 1-based): chr1:1,439,111, C duplicated. VCF-style (leftmost placement, unchanged base first): chr1-1439110-A-AC. GRCh37 (hg19) VCF-style: chr1-1374490-A-AC.
Other names: c.*72dup (NM_199121.3); short protein forms E222fs.
Identifiers: ClinVar variation 2664084 (VCV002664084.5), dbSNP rs2523721234, ClinGen allele CA2586973934.